The following is an entry in ClinVar:

ClinVar aggregate classification (germline): Pathogenic. Review status: criteria provided, single submitter (1 of 4 stars). 2 submissions from 1 submitter: Pathogenic (2). Last evaluated 2020-08-27.

Conditions:
Ellis-van Creveld syndrome (EVC). Also called: MESOECTODERMAL DYSPLASIA; Chondroectodermal dysplasia; EVC-Related Ellis-van Creveld Syndrome; EVC2-Related Ellis-van Creveld Syndrome. Identifiers: Orphanet 289, MedGen C0013903, MONDO:0009162, OMIM 225500.
Curry-Hall syndrome (WAD). Also called: WEYERS ACRODENTAL DYSOSTOSIS. Identifiers: Orphanet 952, MedGen C0457013, MONDO:0008673, OMIM 193530.

Submissions (2):

Labcorp Genetics (formerly Invitae), Labcorp
Classification: Pathogenic for Curry-Hall syndrome; Ellis-van Creveld syndrome. Last evaluated: 2020-08-27. Review status: criteria provided, single submitter. Criteria: Invitae Variant Classification Sherloc (09022015). Collection method: clinical testing. Allele origin: germline.
Comment: This sequence change creates a premature translational stop signal (p.Ser472Argfs*32) in the EVC gene. It is expected to result in an absent or disrupted protein product. This variant is not present in population databases (ExAC no frequency). This variant has not been reported in the literature in individuals with EVC-related conditions. ClinVar contains an entry for this variant (Variation ID: 455996). Loss-of-function variants in EVC are known to be pathogenic (PMID: 23220543). For these reasons, this variant has been classified as Pathogenic.

Labcorp Genetics (formerly Invitae), Labcorp
Classification: Pathogenic for Ellis-van Creveld syndrome. Last evaluated: 2017-08-10. Review status: criteria provided, single submitter. Criteria: Invitae Variant Classification Sherloc (09022015). Collection method: clinical testing. Allele origin: germline.
Comment: This sequence change creates a premature translational stop signal (p.Ser472Argfs*32) in the EVC gene. It is expected to result in an absent or disrupted protein product. This variant is not present in population databases (ExAC no frequency). This variant has not been reported in the literature in individuals with EVC-related disease. Loss-of-function variants in EVC are known to be pathogenic (PMID: 23220543). For these reasons, this variant has been classified as Pathogenic.

Literature cited by the submitters: PubMed 23220543.

NM_153717.3(EVC):c.1405_1415dup (p.Ser472fs)

Gene: EVC (EvC ciliary complex subunit 1; plus strand). Cytogenetic location: 4p16.2.
Variant type: Duplication.
Coding change: c.1405_1415dup on transcript NM_153717.3 (MANE Select); coding-DNA positions 1405 to 1415, 11 bases duplicated (GAACAGAGAAG).
Protein change: p.Ser472fs; shifts the reading frame from serine 472.
Molecular consequence: frameshift variant.
Genome position (GRCh38, 1-based): chr4:5,753,874-5,753,884, GAACAGAGAAG duplicated; duplicating any 11 consecutive bases within chr4:5,753,872-5,753,884 gives the same sequence; the c. name uses the placement nearest the transcript's 3' end. VCF-style (leftmost placement, unchanged base first): chr4-5753871-G-GAGGAACAGAGA. GRCh37 (hg19) VCF-style: chr4-5755598-G-GAGGAACAGAGA.
Other names: c.1405_1415dup, p.Ser472fs (NM_001306090.2, NM_001306092.2); c.1405_1415dupGAACAGAGAAG (NM_153717.2); short protein forms S472fs.
Identifiers: ClinVar variation 455996 (VCV000455996.8), dbSNP rs1553876034, ClinGen allele CA658657374.